The following is an entry in ClinVar:

NM_000540.3(RYR1):c.3917C>T (p.Ala1306Val)

Gene: RYR1 (ryanodine receptor 1; plus strand). Cytogenetic location: 19q13.2.
Variant type: single nucleotide variant.
Coding change: c.3917C>T on transcript NM_000540.3 (MANE Select); coding-DNA position 3917, C replaced by T.
Protein change: p.Ala1306Val; replaces alanine 1306 with valine.
Molecular consequence: missense variant.
Genome position (GRCh38, 1-based): chr19:38,473,528, C>T. VCF-style: chr19-38473528-C-T. GRCh37 (hg19) VCF-style: chr19-38964168-C-T.
Other names: c.3917C>T, p.Ala1306Val (NM_001042723.2); short protein forms A1306V.
Identifiers: ClinVar variation 4758944 (VCV004758944.1).

ClinVar aggregate classification (germline): Uncertain significance (1 of 4 stars; one submission).

Conditions:
Malignant hyperthermia, susceptibility to, 1 (MHS1). Also called: RYR1-Related Malignant Hyperthermia Susceptibility; Malignant hyperthermia suceptibility 1; Anesthesia related hyperthermia; Malignant hyperpyrexia; Fulminating hyperpyrexia; Pharmacogenic myopathy. Identifiers: Orphanet 423, MedGen C2930980, MONDO:0007783, OMIM 145600.

Submission:

Color Diagnostics, LLC DBA Color Health
Classification: Uncertain significance for Malignant hyperthermia, susceptibility to, 1. Last evaluated: 2025-07-14. Review status: criteria provided, single submitter. Criteria: ACMG Guidelines, 2015. Collection method: clinical testing. Allele origin: germline.
Comment: This missense variant replaces alanine with valine at codon 1306 of the RYR1 protein. Computational prediction suggests that this variant may not impact protein structure and function. To our knowledge, functional studies have not been reported for this variant. This variant has not been reported in individuals affected with RYR1-related disorders in the literature. This variant has not been identified in the general population by the Genome Aggregation Database (gnomAD). The available evidence is insufficient to determine the role of this variant in disease conclusively. Therefore, this variant is classified as a Variant of Uncertain Significance.